The following is an entry in ClinVar:

ClinVar aggregate classification (germline): Uncertain significance. Review status: criteria provided, multiple submitters, no conflicts (2 of 4 stars). 2 submissions from 2 submitters: Uncertain significance (2). Last evaluated 2025-01-23.

Conditions:
Hereditary cancer-predisposing syndrome. Also called: Tumor predisposition; Neoplastic Syndromes, Hereditary; Hereditary Cancer Syndrome; Hereditary neoplastic syndrome. Identifiers: Orphanet 140162, MedGen C0027672, MeSH D009386, MONDO:0015356.
Tuberous sclerosis 1 (TSC1). Identifiers: Orphanet 805, MedGen C1854465, MONDO:0008612, OMIM 191100.

Allele frequency attached by ClinVar (database versions not stated): TOPMed below 0.00001.

Submissions (2):

Labcorp Genetics (formerly Invitae), Labcorp
Classification: Uncertain significance for Tuberous sclerosis 1. Last evaluated: 2025-01-23. Review status: criteria provided, single submitter. Criteria: Invitae Variant Classification Sherloc (09022015). Collection method: clinical testing. Allele origin: germline.
Comment: This sequence change replaces serine, which is neutral and polar, with leucine, which is neutral and non-polar, at codon 1001 of the TSC1 protein (p.Ser1001Leu). This variant is not present in population databases (gnomAD no frequency). This variant has not been reported in the literature in individuals affected with TSC1-related conditions. ClinVar contains an entry for this variant (Variation ID: 2625208). Invitae Evidence Modeling of protein sequence and biophysical properties (such as structural, functional, and spatial information, amino acid conservation, physicochemical variation, residue mobility, and thermodynamic stability) indicates that this missense variant is not expected to disrupt TSC1 protein function with a negative predictive value of 95%. In summary, the available evidence is currently insufficient to determine the role of this variant in disease. Therefore, it has been classified as a Variant of Uncertain Significance.

Ambry Genetics
Classification: Uncertain significance for Hereditary cancer-predisposing syndrome. Last evaluated: 2023-08-26. Review status: criteria provided, single submitter. Criteria: Ambry Variant Classification Scheme 2023. Collection method: clinical testing. Allele origin: germline.
Comment: The p.S1001L variant (also known as c.3002C>T), located in coding exon 21 of the TSC1 gene, results from a C to T substitution at nucleotide position 3002. The serine at codon 1001 is replaced by leucine, an amino acid with dissimilar properties. This amino acid position is conserved. In addition, this alteration is predicted to be tolerated by in silico analysis. Since supporting evidence is limited at this time, the clinical significance of this alteration remains unclear.

NM_000368.5(TSC1):c.3002C>T (p.Ser1001Leu)

Gene: TSC1 (TSC complex subunit 1; minus strand). Cytogenetic location: 9q34.13.
Variant type: single nucleotide variant.
Coding change: c.3002C>T on transcript NM_000368.5 (MANE Select); coding-DNA position 3002, C replaced by T.
Protein change: p.Ser1001Leu; replaces serine 1001 with leucine.
Molecular consequence: missense variant. On other transcripts: non-coding transcript variant (5).
Genome position (GRCh38, 1-based): chr9:132,896,728, G>A on the plus strand (C>T on the coding strand, the complement: TSC1 is on the minus strand). VCF-style: chr9-132896728-G-A. GRCh37 (hg19) VCF-style: chr9-135772115-G-A.
Other names: c.2999C>T, p.Ser1000Leu (NM_001162426.2, NM_001406597.1, NM_001406598.1 and 2 more transcripts); c.2849C>T, p.Ser950Leu (NM_001162427.2, NM_001406610.1); c.2639C>T, p.Ser880Leu (NM_001362177.2, NM_001406614.1, NM_001406615.1 and 4 more transcripts); c.3002C>T, p.Ser1001Leu (NM_001406592.1, NM_001406593.1, NM_001406594.1 and 2 more transcripts); c.2960C>T, p.Ser987Leu (NM_001406605.1, NM_001406606.1, NM_001406607.1); c.2957C>T, p.Ser986Leu (NM_001406608.1, NM_001406609.1); c.2846C>T, p.Ser949Leu (NM_001406611.1, NM_001406612.1); c.2804C>T, p.Ser935Leu (NM_001406613.1); and 8 more; short protein forms S1000L, S1001L, S950L, S986L, S987L, S650L, S866L, S995L.
Identifiers: ClinVar variation 2625208 (VCV002625208.5), dbSNP rs1845088087, ClinGen allele CA375367959.